The following is an entry in ClinVar:

ClinVar aggregate classification (germline): Pathogenic (1 of 4 stars; one submission).

Submission:

CeGaT Center for Human Genetics Tuebingen
Classification: Pathogenic. Last evaluated: 2022-12-01. Review status: criteria provided, single submitter. Criteria: CeGaT Center For Human Genetics Tuebingen Variant Classification Criteria Version 2. Collection method: clinical testing. Allele origin: germline. Affected: yes. Observed: 1 variant allele.
Comment: TANC2: PVS1, PM2

NM_001394998.1(TANC2):c.3075del (p.Gln1026fs)

Genes: TANC2 (tetratricopeptide repeat, ankyrin repeat and coiled-coil containing 2; plus strand), LOC105371856 (uncharacterized LOC105371856; minus strand). Cytogenetic location: 17q23.3.
Variant type: Deletion.
Coding change: c.3075del on transcript NM_001394998.1 (MANE Select); coding-DNA position 3075, one base deleted (G; older notation c.3075delG).
Protein change: p.Gln1026fs; shifts the reading frame from glutamine 1026.
Molecular consequence: frameshift variant.
Genome position (GRCh38, 1-based): chr17:63,395,766, G deleted; the last of 3 consecutive G bases (chr17:63,395,764-63,395,766); deleting any one gives the same sequence. VCF-style (leftmost placement, unchanged base first): chr17-63395763-CG-C. GRCh37 (hg19) VCF-style: chr17-61473124-CG-C.
Other names: c.2853delG, p.Gln952Serfs (NM_001411076.1); c.2853del, p.Gln952fs (NM_025185.4); short protein forms Q1026fs, Q952fs.
Identifiers: ClinVar variation 1879378 (VCV001879378.29), dbSNP rs2510284231, ClinGen allele CA2580094545.